The following is an entry in ClinVar:

NM_001276270.2(MBD4):c.952A>C (p.Ser318Arg)

Gene: MBD4 (methyl-CpG binding domain 4, DNA glycosylase; minus strand). Cytogenetic location: 3q21.3.
Variant type: single nucleotide variant.
Coding change: c.952A>C on transcript NM_001276270.2 (MANE Select); coding-DNA position 952, A replaced by C.
Protein change: p.Ser318Arg; replaces serine 318 with arginine.
Molecular consequence: missense variant. On other transcripts: intron variant (1).
Genome position (GRCh38, 1-based): chr3:129,436,692, T>G on the plus strand (A>C on the coding strand, the complement: MBD4 is on the minus strand). VCF-style: chr3-129436692-T-G. GRCh37 (hg19) VCF-style: chr3-129155535-T-G.
Other names: c.952A>C, p.Ser318Arg (NM_001276271.2, NM_001276272.2, NM_003925.3); c.247+1116A>C (NM_001276273.2); short protein forms S318R.
Identifiers: ClinVar variation 4052223 (VCV004052223.1).
Genomic context (GRCh38, chr3:129,436,692, plus strand): 5'-AACAAAATTTGTTTATGATGCCAGAAGTTTTTTGTTCAGAACAAAAATTTGATCCTGAAC[T>G]CAATGATCTTTCTTTTTTTTTTACAAGGCTGTTTTCTTCACTGGTCACACTGAGGGTCTC-3'
Protein context (NP_001263199.1, residues 308-328): SLVKKKERSL[Ser318Arg]SGSNFCSEQK

ClinVar aggregate classification (germline): Uncertain significance (1 of 4 stars; one submission).

Conditions:
Inborn genetic diseases. Identifiers: MedGen C0950123, MeSH D030342.

Submission:

Ambry Genetics
Classification: Uncertain significance for Inborn genetic diseases. Last evaluated: 2025-05-02. Review status: criteria provided, single submitter. Criteria: Ambry Variant Classification Scheme 2023. Collection method: clinical testing. Allele origin: germline.
Comment: The p.S318R variant (also known as c.952A>C), located in coding exon 3 of the MBD4 gene, results from an A to C substitution at nucleotide position 952. The serine at codon 318 is replaced by arginine, an amino acid with dissimilar properties. This amino acid position is conserved. In addition, this alteration is predicted to be tolerated by in silico analysis. Based on the available evidence, the clinical significance of this variant remains unclear.